The following is an entry in ClinVar:

NM_002692.4(POLE2):c.347C>T (p.Ala116Val)

Gene: POLE2 (DNA polymerase epsilon 2, accessory subunit; minus strand). Cytogenetic location: 14q21.3.
Variant type: single nucleotide variant.
Coding change: c.347C>T on transcript NM_002692.4 (MANE Select); coding-DNA position 347, C replaced by T.
Protein change: p.Ala116Val; replaces alanine 116 with valine.
Molecular consequence: missense variant.
Genome position (GRCh38, 1-based): chr14:49,674,193, G>A on the plus strand (C>T on the coding strand, the complement: POLE2 is on the minus strand). VCF-style: chr14-49674193-G-A. GRCh37 (hg19) VCF-style: chr14-50140911-G-A.
Other names: c.269C>T, p.Ala90Val (NM_001197330.2); c.347C>T, p.Ala116Val (NM_001197331.3, NM_001348384.2); c.116C>T, p.Ala39Val (NM_001348385.2); short protein forms A116V, A39V, A90V.
Identifiers: ClinVar variation 3626975 (VCV003626975.2).
Genomic context (GRCh38, chr14:49,674,193, plus strand): 5'-ATGGTATATCGCTCACGAAACATCTCTGCTTTATCTCTTGGTGTTCCAAATAAATTTGGT[G>A]CAGGGTGGTTGGTCATTAACAGACTAGAAAAAGAGAATGCCTATTTTTGACTATCATAAT-3'
Protein context (NP_002683.2, residues 106-126): FLPLLMTNHP[Ala116Val]PNLFGTPRDK

ClinVar aggregate classification (germline): Uncertain significance (1 of 4 stars; one submission).

gnomAD v4.1: 7 of 1,612,360 alleles (0.00043%); highest among the groups gnomAD compares: Admixed American, 0.01%; no homozygotes.

Submission:

Labcorp Genetics (formerly Invitae), Labcorp
Classification: Uncertain significance. Last evaluated: 2025-12-11. Review status: criteria provided, single submitter. Criteria: Invitae Variant Classification Sherloc (09022015). Collection method: clinical testing. Allele origin: germline.
Comment: This sequence change replaces alanine, which is neutral and non-polar, with valine, which is neutral and non-polar, at codon 116 of the POLE2 protein (p.Ala116Val). This variant is present in population databases (rs751780432, gnomAD 0.02%). This variant has not been reported in the literature in individuals affected with POLE2-related conditions. ClinVar contains an entry for this variant (Variation ID: 3626975). An algorithm developed to predict the effect of missense changes on protein structure and function (PolyPhen-2) suggests that this variant is likely to be tolerated. In summary, the available evidence is currently insufficient to determine the role of this variant in disease. Therefore, it has been classified as a Variant of Uncertain Significance.